The following is an entry in ClinVar:

NM_012193.4(FZD4):c.159C>G (p.Cys53Trp)

Gene: FZD4 (frizzled class receptor 4; minus strand). Cytogenetic location: 11q14.2.
Variant type: single nucleotide variant.
Coding change: c.159C>G on transcript NM_012193.4 (MANE Select); coding-DNA position 159, C replaced by G.
Protein change: p.Cys53Trp; replaces cysteine 53 with tryptophan.
Molecular consequence: missense variant.
Genome position (GRCh38, 1-based): chr11:86,954,927, G>C on the plus strand (C>G on the coding strand, the complement: FZD4 is on the minus strand). VCF-style: chr11-86954927-G-C. GRCh37 (hg19) VCF-style: chr11-86665969-G-C.
Other names: short protein forms C53W.
Identifiers: ClinVar variation 2030785 (VCV002030785.5), dbSNP rs2495874378, ClinGen allele CA382018387.

ClinVar aggregate classification (germline): Uncertain significance. Review status: criteria provided, multiple submitters, no conflicts (2 of 4 stars). 2 submissions from 2 submitters: Uncertain significance (2). Last evaluated 2025-12-19.

Conditions:
Exudative vitreoretinopathy 1 (EVR1). Also called: CRISWICK-SCHEPENS SYNDROME; FEVR, AUTOSOMAL DOMINANT; Familial exudative vitreoretinopathy, autosomal dominant. Identifiers: Orphanet 891, Orphanet 90050, MedGen C1851402, MONDO:0007589, OMIM 133780.

Submissions (2):

3billion
Classification: Uncertain significance for Exudative vitreoretinopathy 1. Last evaluated: 2025-12-19. Review status: criteria provided, single submitter. Criteria: ACMG Guidelines, 2015. Collection method: clinical testing. Allele origin: germline. Affected: yes.
Comment: The variant is not observed in the gnomAD v4.1.0 dataset. Predicted Consequence/Location: Missense variant In silico tool predictions suggest damaging effect of the variant on gene or gene product [REVEL: 0.94 (>=0.6, sensitivity 0.68 and specificity 0.92); 3Cnet: 0.90 (> 0.75, sensitivity 0.96 and precision 0.92)]. A different missense change at the same codon (p.Cys53Ser) has been reported to be associated with FZD4-related disorder (PMID: 27555740). However the evidence of pathogenicity is insufficient at this time. Therefore, this variant is classified as VUS according to the recommendation of ACMG/AMP guideline.

Labcorp Genetics (formerly Invitae), Labcorp
Classification: Uncertain significance. Last evaluated: 2022-09-19. Review status: criteria provided, single submitter. Criteria: Invitae Variant Classification Sherloc (09022015). Collection method: clinical testing. Allele origin: germline.
Comment: In summary, the available evidence is currently insufficient to determine the role of this variant in disease. Therefore, it has been classified as a Variant of Uncertain Significance. This variant disrupts the p.Cys53 amino acid residue in FZD4. Other variant(s) that disrupt this residue have been observed in individuals with FZD4-related conditions (PMID: 27555740), which suggests that this may be a clinically significant amino acid residue. Advanced modeling of protein sequence and biophysical properties (such as structural, functional, and spatial information, amino acid conservation, physicochemical variation, residue mobility, and thermodynamic stability) performed at Invitae indicates that this missense variant is expected to disrupt FZD4 protein function. This missense change has been observed in individual(s) with familial exudative vitreoretinopathy (Invitae). This variant is not present in population databases (gnomAD no frequency). This sequence change replaces cysteine, which is neutral and slightly polar, with tryptophan, which is neutral and slightly polar, at codon 53 of the FZD4 protein (p.Cys53Trp).

Literature cited by the submitters: PubMed 27555740 (cited by 3billion and Labcorp Genetics (formerly Invitae), Labcorp).